The following is an entry in ClinVar:

ClinVar aggregate classification (germline): Conflicting classifications of pathogenicity. Review status: criteria provided, conflicting classifications (1 of 4 stars). 12 submissions from 12 submitters: Uncertain significance (1); Benign (3); Likely benign (5). 3 of the submissions do not count toward it. Last evaluated 2026-01-28.

Conditions:
Polycystic kidney disease 4 (PKD4). Also called: POLYCYSTIC KIDNEY AND HEPATIC DISEASE 1; POLYCYSTIC KIDNEY DISEASE, INFANTILE, TYPE I; POLYCYSTIC KIDNEY DISEASE 4 WITH OR WITHOUT POLYCYSTIC LIVER DISEASE; PKD3; Autosomal Recessive Polycystic Kidney Disease – PKHD1. Identifiers: MedGen C4540575, MONDO:0033004, OMIM 263200.
Autosomal recessive polycystic kidney disease (ARPKD). Also called: AR polycystic kidney disease. Identifiers: Orphanet 731, Orphanet 8378, MedGen C0085548, MeSH D017044, MONDO:0009889.

Allele frequency attached by ClinVar (database versions not stated): ESP Exome Variant Server 0.00038; TOPMed 0.00068; 1000 Genomes Project 30x 0.00219; gnomAD 0.00230 and 0.00235; 1000 Genomes Project 0.00260; ExAC 0.00319; gnomAD exomes 0.00328.
gnomAD v4.1: 2,579 of 1,612,822 alleles (0.16%); highest among the groups gnomAD compares: East Asian, 0.92%; 24 homozygotes.

Submissions (12):

Labcorp Genetics (formerly Invitae), Labcorp
Classification: Benign for Autosomal recessive polycystic kidney disease. Last evaluated: 2026-01-28. Review status: criteria provided, single submitter. Criteria: Invitae Variant Classification Sherloc (09022015). Collection method: clinical testing. Allele origin: germline.

Blueprint Genetics
Classification: Likely benign. Last evaluated: 2024-11-23. Review status: criteria provided, single submitter. Criteria: ACMG Guidelines, 2015. Collection method: clinical testing. Allele origin: germline.

Department of Pathology and Laboratory Medicine, Sinai Health System
Classification: Benign for Polycystic kidney disease 4. Last evaluated: 2024-03-14. Review status: criteria provided, single submitter. Criteria: ACMG Guidelines, 2015. Collection method: clinical testing. Allele origin: germline. Affected: yes.

CeGaT Center for Human Genetics Tuebingen
Classification: Likely benign. Last evaluated: 2023-04-01. Review status: criteria provided, single submitter. Criteria: CeGaT Center For Human Genetics Tuebingen Variant Classification Criteria Version 2. Collection method: clinical testing. Allele origin: germline. Affected: yes. Observed: 1 variant allele.
Comment: PKHD1: BP4, BP7

Pars Genome Lab
Classification: Likely benign for Polycystic kidney disease 4. Last evaluated: 2021-05-18. Review status: criteria provided, single submitter. Criteria: ACMG Guidelines, 2015. Collection method: clinical testing. Allele origin: germline. Affected: no.

Women's Health and Genetics/Laboratory Corporation of America, LabCorp
Classification: Likely benign. Last evaluated: 2020-03-16. Review status: criteria provided, single submitter. Criteria: LabCorp Variant Classification Summary - May 2015. Collection method: clinical testing. Allele origin: germline.

Illumina Laboratory Services, Illumina
Classification: Uncertain significance for Polycystic kidney disease 4. Last evaluated: 2018-01-13. Review status: criteria provided, single submitter. Criteria: ICSL Variant Classification Criteria 13 December 2019. Collection method: clinical testing. Allele origin: germline.

Eurofins Ntd Llc (ga)
Classification: Benign. Last evaluated: 2015-10-05. Review status: criteria provided, single submitter. Criteria: EGL Classification Definitions 2015. Collection method: clinical testing. Allele origin: germline. Observed: 2 variant alleles, 2 heterozygotes.

PreventionGenetics, part of Exact Sciences
Classification: Likely benign. Review status: criteria provided, single submitter. Criteria: ACMG Guidelines, 2015. Collection method: clinical testing. Allele origin: germline.

Natera, Inc.
Classification: Benign for Autosomal recessive polycystic kidney disease. Last evaluated: 2017-06-30. Review status: no assertion criteria provided. Collection method: clinical testing. Allele origin: germline. Not counted in ClinVar's aggregate classification.

Clinical Genetics DNA and cytogenetics Diagnostics Lab, Erasmus MC, Erasmus Medical Center
Classification: Likely benign. Review status: no assertion criteria provided. Collection method: clinical testing. Allele origin: germline. Affected: yes. Study: VKGL Data-share Consensus. Not counted in ClinVar's aggregate classification.

Genome Diagnostics Laboratory, University Medical Center Utrecht
Classification: Likely benign. Review status: no assertion criteria provided. Collection method: clinical testing. Allele origin: germline. Affected: yes. Study: VKGL Data-share Consensus. Not counted in ClinVar's aggregate classification.

NM_138694.4(PKHD1):c.2853C>T (p.Thr951=)

Gene: PKHD1 (PKHD1 ciliary IPT domain containing fibrocystin/polyductin; minus strand). Cytogenetic location: 6p12.2.
Variant type: single nucleotide variant.
Coding change: c.2853C>T on transcript NM_138694.4 (MANE Select); coding-DNA position 2853, C replaced by T.
Protein change: p.Thr951=; no amino-acid change (threonine 951 retained).
Molecular consequence: synonymous variant.
Genome position (GRCh38, 1-based): chr6:52,043,103, G>A on the plus strand (C>T on the coding strand, the complement: PKHD1 is on the minus strand). VCF-style: chr6-52043103-G-A. GRCh37 (hg19) VCF-style: chr6-51907901-G-A.
Other names: c.2853C>T, p.Thr951= (NM_170724.3).
Identifiers: ClinVar variation 241843 (VCV000241843.60), dbSNP rs139815340, ClinGen allele CA3853086.